The following is an entry in ClinVar:

NM_001077418.3(TMEM231):c.513C>A (p.Tyr171Ter)

Gene: TMEM231 (transmembrane protein 231; minus strand). Cytogenetic location: 16q23.1.
Variant type: single nucleotide variant.
Coding change: c.513C>A on transcript NM_001077418.3 (MANE Select); coding-DNA position 513, C replaced by A.
Protein change: p.Tyr171Ter; replaces tyrosine 171 with a stop codon.
Molecular consequence: nonsense. On other transcripts: non-coding transcript variant (1).
Genome position (GRCh38, 1-based): chr16:75,545,421, G>T on the plus strand (C>A on the coding strand, the complement: TMEM231 is on the minus strand). VCF-style: chr16-75545421-G-T. GRCh37 (hg19) VCF-style: chr16-75579319-G-T.
Other names: c.672C>A, p.Tyr224Ter (NM_001077416.2); short protein forms Y224*, Y171*.
Identifiers: ClinVar variation 4786495 (VCV004786495.1).

ClinVar aggregate classification (germline): Pathogenic (1 of 4 stars; one submission).

Conditions:
Joubert syndrome 20 (JBTS20). Identifiers: Orphanet 475, MedGen C3554235, MONDO:0013994, OMIM 614970.
Meckel syndrome, type 11 (MKS11). Identifiers: Orphanet 564, MedGen C3809352, MONDO:0014164, OMIM 615397.

Submission:

Labcorp Genetics (formerly Invitae), Labcorp
Classification: Pathogenic for Joubert syndrome 20; Meckel syndrome, type 11. Last evaluated: 2025-10-22. Review status: criteria provided, single submitter. Criteria: Invitae Variant Classification Sherloc (09022015). Collection method: clinical testing. Allele origin: germline.
Comment: This sequence change creates a premature translational stop signal (p.Tyr224*) in the TMEM231 gene. It is expected to result in an absent or disrupted protein product. Loss-of-function variants in TMEM231 are known to be pathogenic (PMID: 23012439, 23349226). This variant is present in population databases (rs751631216, gnomAD 0.006%). This variant has not been reported in the literature in individuals affected with TMEM231-related conditions. For these reasons, this variant has been classified as Pathogenic.

Literature cited by the submitters: PubMed 23012439; PubMed 23349226.